The following is an entry in ClinVar:

ClinVar aggregate classification (germline): Pathogenic (1 of 4 stars; one submission).

Conditions:
Neurofibromatosis, type 1 (NF1). Also called: Peripheral type neurofibromatosis; VON RECKLINGHAUSEN DISEASE; NEUROFIBROMATOSIS, TYPE I, SOMATIC; Neurofibromatosis, type I. Identifiers: Orphanet 636, MedGen C0027831, MONDO:0018975, OMIM 162200. Disease mechanism: loss of function.

Submission:

Labcorp Genetics (formerly Invitae), Labcorp
Classification: Pathogenic for Neurofibromatosis, type 1. Last evaluated: 2024-06-28. Review status: criteria provided, single submitter. Criteria: Invitae Variant Classification Sherloc (09022015). Collection method: clinical testing. Allele origin: germline.
Comment: This sequence change creates a premature translational stop signal (p.Thr2423Lysfs*12) in the NF1 gene. It is expected to result in an absent or disrupted protein product. Loss-of-function variants in NF1 are known to be pathogenic (PMID: 10712197, 23913538). This variant is not present in population databases (gnomAD no frequency). This variant has not been reported in the literature in individuals affected with NF1-related conditions. For these reasons, this variant has been classified as Pathogenic.

Literature cited by the submitters: PubMed 10712197; PubMed 23913538.

NM_001042492.3(NF1):c.7331del (p.Thr2444fs)

Gene: NF1 (neurofibromin 1; plus strand). Cytogenetic location: 17q11.2.
Variant type: Deletion.
Coding change: c.7331del on transcript NM_001042492.3 (MANE Select); coding-DNA position 7331, one base deleted (C; older notation c.7331delC).
Protein change: p.Thr2444fs; shifts the reading frame from threonine 2444.
Molecular consequence: frameshift variant.
Genome position (GRCh38, 1-based): chr17:31,350,192, C deleted. VCF-style (leftmost placement, unchanged base first): chr17-31350191-AC-A. GRCh37 (hg19) VCF-style: chr17-29677209-AC-A.
Other names: c.7268delC, p.Thr2423Lysfs (NM_000267.4); short protein forms T2423fs, T2444fs.
Identifiers: ClinVar variation 3658139 (VCV003658139.2).